The following is an entry in ClinVar:

ClinVar aggregate classification (germline): Uncertain significance. Review status: criteria provided, multiple submitters, no conflicts (2 of 4 stars). 2 submissions from 2 submitters: Uncertain significance (2). Last evaluated 2025-11-26.

Conditions:
ABCC6-related disorder. Also called: ABCC6-related condition.

gnomAD v4.1: 1 of 1,608,618 alleles (0.000062%); highest among the groups gnomAD compares: Non-Finnish European, 0.000085%; no homozygotes.

Submissions (2):

PreventionGenetics, part of Exact Sciences
Classification: Uncertain significance for ABCC6-related condition. Last evaluated: 2025-11-26. Review status: criteria provided, single submitter. Criteria: ACMG Guidelines, 2015. Collection method: clinical testing. Allele origin: germline.
Comment: The ABCC6 c.1208C>A variant is predicted to result in the amino acid substitution p.Ala403Asp. This variant has been reported with two other ABCC6 missense variants in an individual with pseudoxanthoma elasticum (Hending et al. 2008. PubMed ID: 18936737). This variant has not been reported in a large population database (gnomAD), indicating it is rare. At this time, the clinical significance of this variant is uncertain due to the absence of conclusive functional and genetic evidence.

Labcorp Genetics (formerly Invitae), Labcorp
Classification: Uncertain significance. Last evaluated: 2022-06-13. Review status: criteria provided, single submitter. Criteria: Invitae Variant Classification Sherloc (09022015). Collection method: clinical testing. Allele origin: germline.
Comment: This sequence change replaces alanine, which is neutral and non-polar, with aspartic acid, which is acidic and polar, at codon 403 of the ABCC6 protein (p.Ala403Asp). This variant is not present in population databases (gnomAD no frequency). This variant has not been reported in the literature in individuals affected with ABCC6-related conditions. Advanced modeling of protein sequence and biophysical properties (such as structural, functional, and spatial information, amino acid conservation, physicochemical variation, residue mobility, and thermodynamic stability) performed at Invitae indicates that this missense variant is not expected to disrupt ABCC6 protein function. In summary, the available evidence is currently insufficient to determine the role of this variant in disease. Therefore, it has been classified as a Variant of Uncertain Significance.

NM_001171.6(ABCC6):c.1208C>A (p.Ala403Asp)

Gene: ABCC6 (ATP binding cassette subfamily C member 6; minus strand). Cytogenetic location: 16p13.11.
Variant type: single nucleotide variant.
Coding change: c.1208C>A on transcript NM_001171.6 (MANE Select); coding-DNA position 1208, C replaced by A.
Protein change: p.Ala403Asp; replaces alanine 403 with aspartic acid.
Molecular consequence: missense variant. On other transcripts: non-coding transcript variant (1).
Genome position (GRCh38, 1-based): chr16:16,198,151, G>T on the plus strand (C>A on the coding strand, the complement: ABCC6 is on the minus strand). VCF-style: chr16-16198151-G-T. GRCh37 (hg19) VCF-style: chr16-16292008-G-T.
Other names: c.1208C>A (NM_001171.5); c.866C>A, p.Ala289Asp (NM_001351800.1); short protein forms A289D, A403D.
Identifiers: ClinVar variation 1508593 (VCV001508593.6), dbSNP rs2048117162, ClinGen allele CA394890402.